The following is an entry in ClinVar:

ClinVar aggregate classification (germline): Uncertain significance (1 of 4 stars; one submission).

Allele frequency attached by ClinVar (database versions not stated): gnomAD exomes below 0.00001.
gnomAD v4.1: 4 of 1,189,230 alleles (0.00034%); highest among the groups gnomAD compares: Non-Finnish European, 0.00034%; no homozygotes.

Submission:

GeneDx
Classification: Uncertain significance. Last evaluated: 2021-09-01. Review status: criteria provided, single submitter. Criteria: GeneDx Variant Classification Process June 2021. Collection method: clinical testing. Allele origin: germline. Affected: yes.
Comment: In silico analysis supports that this missense variant has a deleterious effect on protein structure/function; Has not been previously published as pathogenic or benign to our knowledge

NM_007363.5(NONO):c.104A>C (p.Gln35Pro)

Gene: NONO (non-POU domain containing octamer binding; plus strand). Cytogenetic location: Xq13.1.
Variant type: single nucleotide variant.
Coding change: c.104A>C on transcript NM_007363.5 (MANE Select); coding-DNA position 104, A replaced by C.
Protein change: p.Gln35Pro; replaces glutamine 35 with proline.
Molecular consequence: missense variant. On other transcripts: intron variant (1).
Genome position (GRCh38, 1-based): chrX:71,290,741, A>C. VCF-style: chrX-71290741-A-C. GRCh37 (hg19) VCF-style: chrX-70510591-A-C.
Other names: c.104A>C, p.Gln35Pro (NM_001145408.2, NM_001145409.2); c.-113-1038A>C (NM_001145410.2); short protein forms Q35P.
Identifiers: ClinVar variation 1313659 (VCV001313659.2), dbSNP rs767664432, ClinGen allele CA10446042.